The following is an entry in ClinVar:

GRCh38/hg38 15q15.3(chr15:43553262-43676031)x1

Genes: CATSPER2 (cation channel sperm associated 2; minus strand), CKMT1B (creatine kinase, mitochondrial 1B; plus strand), PPIP5K1 (diphosphoinositol pentakisphosphate kinase 1; minus strand), STRC (stereocilin; minus strand), LOC130056948 (ATAC-STARR-seq lymphoblastoid active region 9316; plus strand) and 1 more. Cytogenetic location: 15q15.3.
Variant type: copy number loss.
Change: copy number 1 (one copy instead of two) of chr15:43,553,262-43,676,031 (122.8 kb, GRCh38 coordinates, 1-based), cytogenetic band 15q15.3.
Identifiers: ClinVar variation 4796298 (VCV004796298.1).

ClinVar aggregate classification (germline): Uncertain significance (1 of 4 stars; one submission).

Submission:

Medical Genetic Center, Changzhi Maternal and Child Health Care Hospital
Classification: Uncertain significance. Last evaluated: 2025-12-10. Review status: criteria provided, single submitter. Criteria: ACMG/ClinGen CNV Guidelines, 2019. Collection method: clinical testing. Allele origin: unknown.
Comment: STRC deletion cariirer